The following is an entry in ClinVar:

ClinVar aggregate classification (germline): Likely pathogenic (1 of 4 stars; one submission).

Conditions:
Zellweger spectrum disorders (ZS). Also called: Zellweger syndrome; Zellweger Spectrum Disorder; Zellweger Spectrum; Zellweger Spectrum Disorder (ZSD). Identifiers: Orphanet 912, MedGen C0043459, MONDO:0019609.

Submission:

Natera, Inc.
Classification: Likely pathogenic for Zellweger syndrome. Last evaluated: 2025-01-12. Review status: criteria provided, single submitter. Criteria: Natera Variant Classification Schema (03/2026). Collection method: clinical testing. Allele origin: germline.
Comment: The c.1407G>A variant in PEX1 is a nonsense variant predicted to introduce a stop codon at amino acid 469. This variant is expected to result in nonsense mediated decay, truncation, or a dysfunctional protein product. This variant is rare in the general population with a frequency below the threshold expected for the associated phenotype(s). Given the available evidence, this variant is classified as Likely Pathogenic.

NM_000466.3(PEX1):c.1407G>A (p.Trp469Ter)

Gene: PEX1 (peroxisomal biogenesis factor 1; minus strand). Cytogenetic location: 7q21.2.
Variant type: single nucleotide variant.
Coding change: c.1407G>A on transcript NM_000466.3 (MANE Select); coding-DNA position 1407, G replaced by A.
Protein change: p.Trp469Ter; replaces tryptophan 469 with a stop codon.
Molecular consequence: nonsense.
Genome position (GRCh38, 1-based): chr7:92,511,656, C>T on the plus strand (G>A on the coding strand, the complement: PEX1 is on the minus strand). VCF-style: chr7-92511656-C-T. GRCh37 (hg19) VCF-style: chr7-92140970-C-T.
Other names: c.1407G>A, p.Trp469Ter (NM_001282677.2); c.783G>A, p.Trp261Ter (NM_001282678.2); short protein forms W261*, W469*.
Identifiers: ClinVar variation 4059580 (VCV004059580.2).
Genomic context (GRCh38, chr7:92,511,656, plus strand): 5'-CTTAATAAATTCTTCCTCTGATATTACCAAAGGAAGCATGGTGGTAGTAGACTGCTGTAG[C>T]CATGAATAAAATACAGTTTTTATGTCTTCTTCACTTATGTCTTTAGGCTGCCAGAAAAAG-3'